The following is an entry in ClinVar:

ClinVar aggregate classification (germline): Uncertain significance. Review status: criteria provided, multiple submitters, no conflicts (2 of 4 stars). 3 submissions from 3 submitters: Uncertain significance (3). Last evaluated 2025-08-25.

Conditions:
Hereditary cancer-predisposing syndrome. Also called: Hereditary neoplastic syndrome; Neoplastic Syndromes, Hereditary; Hereditary Cancer Syndrome; Tumor predisposition. Identifiers: Orphanet 140162, MedGen C0027672, MeSH D009386, MONDO:0015356.
Endometrial carcinoma. Also called: Endometrial carcinoma, somatic. Identifiers: MedGen C0476089, MONDO:0002447, OMIM 608089, HP:0012114.

Submissions (3):

Ambry Genetics
Classification: Uncertain significance for Hereditary cancer-predisposing syndrome. Last evaluated: 2025-08-25. Review status: criteria provided, single submitter. Criteria: Ambry Variant Classification Scheme 2023. Collection method: clinical testing. Allele origin: germline.

Baylor Genetics
Classification: Uncertain significance for Endometrial carcinoma. Last evaluated: 2023-12-30. Review status: criteria provided, single submitter. Criteria: ACMG Guidelines, 2015. Collection method: clinical testing. Allele origin: unknown.

Labcorp Genetics (formerly Invitae), Labcorp
Classification: Uncertain significance. Last evaluated: 2023-11-04. Review status: criteria provided, single submitter. Criteria: Invitae Variant Classification Sherloc (09022015). Collection method: clinical testing. Allele origin: germline.
Comment: This sequence change replaces arginine, which is basic and polar, with lysine, which is basic and polar, at codon 1103 of the MSH3 protein (p.Arg1103Lys). This variant is not present in population databases (gnomAD no frequency). This variant has not been reported in the literature in individuals affected with MSH3-related conditions. ClinVar contains an entry for this variant (Variation ID: 1716750). Algorithms developed to predict the effect of missense changes on protein structure and function output the following: SIFT: "Not Available"; PolyPhen-2: "Benign"; Align-GVGD: "Not Available". The lysine amino acid residue is found in multiple mammalian species, which suggests that this missense change does not adversely affect protein function. In summary, the available evidence is currently insufficient to determine the role of this variant in disease. Therefore, it has been classified as a Variant of Uncertain Significance.

NM_002439.5(MSH3):c.3308G>A (p.Arg1103Lys)

Gene: MSH3 (mutS homolog 3; plus strand). Cytogenetic location: 5q14.1.
Variant type: single nucleotide variant.
Coding change: c.3308G>A on transcript NM_002439.5 (MANE Select); coding-DNA position 3308, G replaced by A.
Protein change: p.Arg1103Lys; replaces arginine 1103 with lysine.
Molecular consequence: missense variant.
Genome position (GRCh38, 1-based): chr5:80,875,756, G>A. VCF-style: chr5-80875756-G-A. GRCh37 (hg19) VCF-style: chr5-80171575-G-A.
Other names: c.3308G>A (NM_002439.3); short protein forms R1103K.
Identifiers: ClinVar variation 1716750 (VCV001716750.7), dbSNP rs1204268208, ClinGen allele CA360347270.